The following is an entry in ClinVar:

ClinVar aggregate classification (germline): Uncertain significance (1 of 4 stars; one submission).

Conditions:
Cardiovascular phenotype. Identifiers: MedGen CN230736.

Allele frequency attached by ClinVar (database versions not stated): TOPMed below 0.00001.

Submission:

Ambry Genetics
Classification: Uncertain significance for Cardiovascular phenotype. Last evaluated: 2023-08-11. Review status: criteria provided, single submitter. Criteria: Ambry Variant Classification Scheme 2023. Collection method: clinical testing. Allele origin: germline.
Comment: The p.I1491S variant (also known as c.4472T>G), located in coding exon 26 of the SCN10A gene, results from a T to G substitution at nucleotide position 4472. The isoleucine at codon 1491 is replaced by serine, an amino acid with dissimilar properties. This amino acid position is conserved. In addition, this alteration is predicted to be deleterious by in silico analysis. Since supporting evidence is limited at this time, the clinical significance of this alteration remains unclear.

NM_006514.4(SCN10A):c.4472T>G (p.Ile1491Ser)

Gene: SCN10A (sodium voltage-gated channel alpha subunit 10; minus strand). Cytogenetic location: 3p22.2.
Variant type: single nucleotide variant.
Coding change: c.4472T>G on transcript NM_006514.4 (MANE Select); coding-DNA position 4472, T replaced by G.
Protein change: p.Ile1491Ser; replaces isoleucine 1491 with serine.
Molecular consequence: missense variant.
Genome position (GRCh38, 1-based): chr3:38,702,024, A>C on the plus strand (T>G on the coding strand, the complement: SCN10A is on the minus strand). VCF-style: chr3-38702024-A-C. GRCh37 (hg19) VCF-style: chr3-38743515-A-C.
Other names: c.4469T>G, p.Ile1490Ser (NM_001293306.2); c.4178T>G, p.Ile1393Ser (NM_001293307.2); short protein forms I1393S, I1491S, I1490S.
Identifiers: ClinVar variation 2624443 (VCV002624443.2), dbSNP rs2063161720, ClinGen allele CA352146715.
Genomic context (GRCh38, chr3:38,702,024, plus strand): 5'-ATTTTGCCCAGAATTTTCGTCTTTTCTTCACTTTGGTCATCAGTCTCCACCATCATGGTG[A>C]TCATGTTGAGGCAGATGAGGACCATGATGGTGATGTCAAAAGCTTGTCTGGTCACGATGT-3'
Protein context (NP_006505.4, residues 1481-1501): TIMVLICLNM[Ile1491Ser]TMMVETDDQS